The following is an entry in ClinVar:

ClinVar aggregate classification (germline): Uncertain significance (1 of 4 stars; one submission).

Conditions:
Inborn genetic diseases. Identifiers: MedGen C0950123, MeSH D030342.

Submission:

Ambry Genetics
Classification: Uncertain significance for Inborn genetic diseases. Last evaluated: 2026-07-01. Review status: criteria provided, single submitter. Criteria: Ambry Variant Classification Scheme 2023. Collection method: clinical testing. Allele origin: germline.
Comment: The p.M872K variant (also known as c.2615T>A), located in coding exon 28 of the FANCA gene, results from a T to A substitution at nucleotide position 2615. The methionine at codon 872 is replaced by lysine, an amino acid with similar properties. This amino acid position is conserved. In addition, the in silico prediction for this alteration is inconclusive. Based on the available evidence, the clinical significance of this variant remains unclear.

NM_000135.4(FANCA):c.2615T>A (p.Met872Lys)

Genes: FANCA (FA complementation group A; minus strand), LOC130059837 (ATAC-STARR-seq lymphoblastoid active region 11420; plus strand). Cytogenetic location: 16q24.3.
Variant type: single nucleotide variant.
Coding change: c.2615T>A on transcript NM_000135.4 (MANE Select); coding-DNA position 2615, T replaced by A.
Protein change: p.Met872Lys; replaces methionine 872 with lysine.
Molecular consequence: missense variant.
Genome position (GRCh38, 1-based): chr16:89,765,053, A>T on the plus strand (T>A on the coding strand, the complement: FANCA is on the minus strand). VCF-style: chr16-89765053-A-T. GRCh37 (hg19) VCF-style: chr16-89831461-A-T.
Other names: c.2615T>A, p.Met872Lys (NM_001286167.3); short protein forms M872K.
Identifiers: ClinVar variation 5036330 (VCV005036330.1).